The following is an entry in ClinVar:

NM_144666.3(DNHD1):c.6438G>C (p.Trp2146Cys)

Gene: DNHD1 (dynein heavy chain domain 1; plus strand). Cytogenetic location: 11p15.4.
Variant type: single nucleotide variant.
Coding change: c.6438G>C on transcript NM_144666.3 (MANE Select); coding-DNA position 6438, G replaced by C.
Protein change: p.Trp2146Cys; replaces tryptophan 2146 with cysteine.
Molecular consequence: missense variant.
Genome position (GRCh38, 1-based): chr11:6,547,377, G>C. VCF-style: chr11-6547377-G-C. GRCh37 (hg19) VCF-style: chr11-6568607-G-C.
Other names: short protein forms W2146C.
Identifiers: ClinVar variation 4681997 (VCV004681997.5).

ClinVar aggregate classification (germline): Uncertain significance (1 of 4 stars; one submission).

Submission:

CeGaT Center for Human Genetics Tuebingen
Classification: Uncertain significance. Last evaluated: 2025-12-01. Review status: criteria provided, single submitter. Criteria: CeGaT Center For Human Genetics Tuebingen Variant Classification Criteria Version 2. Collection method: clinical testing. Allele origin: germline. Affected: yes. Observed: 1 variant allele.
Comment: DNHD1: PM2, PP2